The following is an entry in ClinVar:

ClinVar aggregate classification (germline): Uncertain significance (1 of 4 stars; one submission).

Allele frequency attached by ClinVar (database versions not stated): gnomAD 0.00001; ExAC 0.00002; TOPMed 0.00002.
gnomAD v4.1: 12 of 1,613,894 alleles (0.00074%); highest among the groups gnomAD compares: Admixed American, 0.0033%; no homozygotes.

Submission:

Labcorp Genetics (formerly Invitae), Labcorp
Classification: Uncertain significance. Last evaluated: 2022-07-19. Review status: criteria provided, single submitter. Criteria: Invitae Variant Classification Sherloc (09022015). Collection method: clinical testing. Allele origin: germline.
Comment: This sequence change replaces methionine, which is neutral and non-polar, with threonine, which is neutral and polar, at codon 4487 of the LRP2 protein (p.Met4487Thr). This variant is present in population databases (rs780751261, gnomAD 0.01%). This variant has not been reported in the literature in individuals affected with LRP2-related conditions. Advanced modeling of protein sequence and biophysical properties (such as structural, functional, and spatial information, amino acid conservation, physicochemical variation, residue mobility, and thermodynamic stability) performed at Invitae indicates that this missense variant is not expected to disrupt LRP2 protein function. In summary, the available evidence is currently insufficient to determine the role of this variant in disease. Therefore, it has been classified as a Variant of Uncertain Significance.

NM_004525.3(LRP2):c.13460T>C (p.Met4487Thr)

Gene: LRP2 (LDL receptor related protein 2; minus strand). Cytogenetic location: 2q31.1.
Variant type: single nucleotide variant.
Coding change: c.13460T>C on transcript NM_004525.3 (MANE Select); coding-DNA position 13460, T replaced by C.
Protein change: p.Met4487Thr; replaces methionine 4487 with threonine.
Molecular consequence: missense variant.
Genome position (GRCh38, 1-based): chr2:169,138,635, A>G on the plus strand (T>C on the coding strand, the complement: LRP2 is on the minus strand). VCF-style: chr2-169138635-A-G. GRCh37 (hg19) VCF-style: chr2-169995145-A-G.
Other names: short protein forms M4487T.
Identifiers: ClinVar variation 1947136 (VCV001947136.2), dbSNP rs780751261, ClinGen allele CA1952537.